The following is an entry in ClinVar:

ClinVar aggregate classification (germline): Likely benign. Review status: criteria provided, multiple submitters, no conflicts (2 of 4 stars). 3 submissions from 3 submitters: Likely benign (3). Last evaluated 2025-10-28.

Conditions:
Inborn genetic diseases. Identifiers: MedGen C0950123, MeSH D030342.

gnomAD v4.1: 31 of 1,613,894 alleles (0.0019%); highest among the groups gnomAD compares: Admixed American, 0.02%; no homozygotes.

Submissions (3):

Mayo Clinic Laboratories, Mayo Clinic
Classification: Likely benign. Last evaluated: 2025-10-28. Review status: criteria provided, single submitter. Criteria: ACMG Guidelines, 2015. Collection method: clinical testing. Allele origin: germline. Observed: 1 variant allele.
Comment: BP4, BP7

Ambry Genetics
Classification: Likely benign for Inborn genetic diseases. Last evaluated: 2025-04-09. Review status: criteria provided, single submitter. Criteria: Ambry Variant Classification Scheme 2023. Collection method: clinical testing. Allele origin: germline.

Blueprint Genetics
Classification: Likely benign. Last evaluated: 2023-07-14. Review status: criteria provided, single submitter. Criteria: ACMG Guidelines, 2015. Collection method: clinical testing. Allele origin: germline.

NM_001355436.2(SPTB):c.6255C>T (p.Pro2085=)

Gene: SPTB (spectrin beta, erythrocytic; minus strand). Cytogenetic location: 14q23.3.
Variant type: single nucleotide variant.
Coding change: c.6255C>T on transcript NM_001355436.2 (MANE Select); coding-DNA position 6255, C replaced by T.
Protein change: p.Pro2085=; no amino-acid change (proline 2085 retained).
Molecular consequence: synonymous variant.
Genome position (GRCh38, 1-based): chr14:64,767,317, G>A on the plus strand (C>T on the coding strand, the complement: SPTB is on the minus strand). VCF-style: chr14-64767317-G-A. GRCh37 (hg19) VCF-style: chr14-65234035-G-A.
Other names: NM_000347.5:c.6255C>T; p.Pro2085=; c.6255C>T, p.Pro2085= (NM_001024858.4, NM_001355437.2).
Identifiers: ClinVar variation 3961576 (VCV003961576.3).